The following is an entry in ClinVar:

NM_020937.4(FANCM):c.1778G>T (p.Arg593Leu)

Gene: FANCM (FA complementation group M; plus strand). Cytogenetic location: 14q21.2.
Variant type: single nucleotide variant.
Coding change: c.1778G>T on transcript NM_020937.4 (MANE Select); coding-DNA position 1778, G replaced by T.
Protein change: p.Arg593Leu; replaces arginine 593 with leucine.
Molecular consequence: missense variant.
Genome position (GRCh38, 1-based): chr14:45,164,555, G>T. VCF-style: chr14-45164555-G-T. GRCh37 (hg19) VCF-style: chr14-45633758-G-T.
Other names: c.1700G>T, p.Arg567Leu (NM_001308133.2); c.1778G>T, p.Arg593Leu (NM_001308134.2); short protein forms R567L, R593L.
Identifiers: ClinVar variation 3512936 (VCV003512936.1).

ClinVar aggregate classification (germline): Uncertain significance (1 of 4 stars; one submission).

Conditions:
Inborn genetic diseases. Identifiers: MedGen C0950123, MeSH D030342.

Submission:

Ambry Genetics
Classification: Uncertain significance for Inborn genetic diseases. Last evaluated: 2024-11-28. Review status: criteria provided, single submitter. Criteria: Ambry Variant Classification Scheme 2023. Collection method: clinical testing. Allele origin: germline.
Comment: The p.R593L variant (also known as c.1778G>T), located in coding exon 10 of the FANCM gene, results from a G to T substitution at nucleotide position 1778. The arginine at codon 593 is replaced by leucine, an amino acid with dissimilar properties. This amino acid position is conserved. In addition, the in silico prediction for this alteration is inconclusive. Based on the available evidence, the clinical significance of this variant remains unclear.